The following is an entry in ClinVar:

ClinVar aggregate classification (germline): Benign/Likely benign. Review status: criteria provided, multiple submitters, no conflicts (2 of 4 stars). 4 submissions from 4 submitters: Benign (1); Likely benign (3). Last evaluated 2026-01-09.

Conditions:
Developmental and epileptic encephalopathy, 30 (DEE30). Also called: Epileptic encephalopathy, early infantile, 30. Identifiers: MedGen C4225360, MONDO:0014595, OMIM 616341.

Allele frequency attached by ClinVar (database versions not stated): ESP Exome Variant Server 0.00008; gnomAD exomes 0.00116; gnomAD 0.00128; ExAC 0.00175; 1000 Genomes Project 0.00200.

Submissions (4):

Labcorp Genetics (formerly Invitae), Labcorp
Classification: Benign for Developmental and epileptic encephalopathy, 30. Last evaluated: 2026-01-09. Review status: criteria provided, single submitter. Criteria: Invitae Variant Classification Sherloc (09022015). Collection method: clinical testing. Allele origin: germline.

Blueprint Genetics
Classification: Likely benign. Last evaluated: 2024-10-29. Review status: criteria provided, single submitter. Criteria: ACMG Guidelines, 2015. Collection method: clinical testing. Allele origin: germline.

CeGaT Center for Human Genetics Tuebingen
Classification: Likely benign. Last evaluated: 2024-07-01. Review status: criteria provided, single submitter. Criteria: CeGaT Center For Human Genetics Tuebingen Variant Classification Criteria Version 2. Collection method: clinical testing. Allele origin: germline. Affected: yes. Observed: 4 variant alleles.
Comment: SIK1: BP4, BS2

Fulgent Genetics
Classification: Likely benign for Developmental and epileptic encephalopathy, 30. Last evaluated: 2022-04-18. Review status: criteria provided, single submitter. Criteria: ACMG Guidelines, 2015. Collection method: clinical testing. Allele origin: unknown.

NM_173354.5(SIK1):c.1119+7G>A

Gene: SIK1 (salt inducible kinase 1; minus strand). Cytogenetic location: 21q22.3.
Variant type: single nucleotide variant.
Coding change: c.1119+7G>A on transcript NM_173354.5 (MANE Select); 7 bases into the intron after coding-DNA position 1119, G replaced by A.
Molecular consequence: intron variant.
Genome position (GRCh38, 1-based): chr21:43,419,852, C>T on the plus strand (G>A on the coding strand, the complement: SIK1 is on the minus strand). VCF-style: chr21-43419852-C-T. GRCh37 (hg19) VCF-style: chr21-44839732-C-T.
Identifiers: ClinVar variation 542713 (VCV000542713.38), dbSNP rs201075575, ClinGen allele CA321326445.